The following is an entry in ClinVar:

ClinVar aggregate classification (germline): Likely pathogenic. Review status: criteria provided, multiple submitters, no conflicts (2 of 4 stars). 2 submissions from 2 submitters: Likely pathogenic (2). Last evaluated 2024-03-04.

Conditions:
Sifrim-Hitz-Weiss syndrome (SIHIWES). Also called: SIFRIM-HITZ-WEISS MULTIPLE CONGENITAL ANOMALIES-MENTAL RETARDATION SYNDROME; CHD4 Neurodevelopmental Disorder. Identifiers: Orphanet 653712, MedGen C4310688, MONDO:0014946, OMIM 617159.

Submissions (2):

GeneDx
Classification: Likely pathogenic. Last evaluated: 2024-03-04. Review status: criteria provided, single submitter. Criteria: GeneDx Variant Classification Process June 2021. Collection method: clinical testing. Allele origin: germline. Affected: yes.
Comment: Not observed at significant frequency in large population cohorts (gnomAD); In silico analysis supports that this missense variant has a deleterious effect on protein structure/function; Has not been previously published as pathogenic or benign to our knowledge

CHU Sainte-Justine Research Center, University of Montreal
Classification: Likely pathogenic for Sifrim-Hitz-Weiss syndrome. Last evaluated: 2021-08-24. Review status: criteria provided, single submitter. Criteria: ACMG Guidelines, 2015. Collection method: clinical testing. Allele origin: de novo. Affected: yes.

NM_001273.5(CHD4):c.3653T>C (p.Ile1218Thr)

Gene: CHD4 (chromodomain helicase DNA binding protein 4; minus strand). Cytogenetic location: 12p13.31.
Variant type: single nucleotide variant.
Coding change: c.3653T>C on transcript NM_001273.5 (MANE Select); coding-DNA position 3653, T replaced by C.
Protein change: p.Ile1218Thr; replaces isoleucine 1218 with threonine.
Molecular consequence: missense variant.
Genome position (GRCh38, 1-based): chr12:6,587,762, A>G on the plus strand (T>C on the coding strand, the complement: CHD4 is on the minus strand). VCF-style: chr12-6587762-A-G. GRCh37 (hg19) VCF-style: chr12-6696928-A-G.
Other names: c.3632T>C, p.Ile1211Thr (NM_001297553.2); c.3614T>C, p.Ile1205Thr (NM_001363606.2); c.3653T>C (NM_001273.2); short protein forms I1205T, I1211T, I1218T.
Identifiers: ClinVar variation 2412787 (VCV002412787.2), dbSNP rs2540390261, ClinGen allele CA383581464.